The following is an entry in ClinVar:

ClinVar aggregate classification (germline): Likely benign. Review status: criteria provided, multiple submitters, no conflicts (2 of 4 stars). 3 submissions from 3 submitters: Likely benign (3). Last evaluated 2025-02-17.

Conditions:
Hereditary cancer-predisposing syndrome. Also called: Tumor predisposition; Neoplastic Syndromes, Hereditary; Hereditary Cancer Syndrome; Hereditary neoplastic syndrome. Identifiers: Orphanet 140162, MedGen C0027672, MeSH D009386, MONDO:0015356.
Multiple endocrine neoplasia, type 2 (MEN2). Identifiers: Orphanet 653, MedGen C4048306, MONDO:0019003. Disease mechanism: gain of function.

Submissions (3):

Labcorp Genetics (formerly Invitae), Labcorp
Classification: Likely benign for Multiple endocrine neoplasia, type 2. Last evaluated: 2025-02-17. Review status: criteria provided, single submitter. Criteria: Invitae Variant Classification Sherloc (09022015). Collection method: clinical testing. Allele origin: germline.

All of Us Research Program, National Institutes of Health
Classification: Likely benign for Multiple endocrine neoplasia, type 2. Last evaluated: 2023-12-13. Review status: criteria provided, single submitter. Criteria: ACMG Guidelines, 2015. Collection method: clinical testing. Allele origin: germline. Inheritance: Autosomal dominant inheritance. Observed: 1 variant allele, 1 heterozygote.
Comment: This study involves interpretation of variants in research participants for the purpose of population health screening. Participant phenotype was not available at the time of variant classification. Additional details can be found in publication PMID: 35346344, PMCID: PMC8962531

Ambry Genetics
Classification: Likely benign for Hereditary cancer-predisposing syndrome. Last evaluated: 2022-02-12. Review status: criteria provided, single submitter. Criteria: Ambry Variant Classification Scheme 2023. Collection method: clinical testing. Allele origin: germline.

NM_020975.6(RET):c.1380C>T (p.Asp460=)

Gene: RET (ret proto-oncogene; plus strand). Cytogenetic location: 10q11.21.
Variant type: single nucleotide variant.
Coding change: c.1380C>T on transcript NM_020975.6 (MANE Select); coding-DNA position 1380, C replaced by T.
Protein change: p.Asp460=; no amino-acid change (aspartic acid 460 retained).
Molecular consequence: synonymous variant. On other transcripts: intron variant (15).
Genome position (GRCh38, 1-based): chr10:43,111,323, C>T. VCF-style: chr10-43111323-C-T. GRCh37 (hg19) VCF-style: chr10-43606771-C-T.
Other names: c.1380C>T, p.Asp460= (NM_001406760.1, NM_000323.2, NM_001406743.1 and 6 more transcripts); c.1251C>T, p.Asp417= (NM_001406761.1, NM_001406762.1, NM_001406764.1 and 1 more transcripts); c.618C>T, p.Asp206= (NM_001355216.2); c.1092C>T, p.Asp364= (NM_001406766.1, NM_001406767.1, NM_001406770.1); c.984C>T, p.Asp328= (NM_001406769.1, NM_001406772.1); c.942C>T, p.Asp314= (NM_001406771.1, NM_001406773.1); c.855C>T, p.Asp285= (NM_001406774.1); c.654C>T, p.Asp218= (NM_001406775.1, NM_001406776.1, NM_001406777.1 and 1 more transcripts); and 5 more.
Identifiers: ClinVar variation 1582113 (VCV001582113.12), dbSNP rs2132769875, ClinGen allele CA469479769.
Genomic context (GRCh38, chr10:43,111,323, plus strand): 5'-CAAGCTGCATTCCTCTGGTGCCAACTGCAGCACGCTAGGGGTGGTCACCTCAGCCGAGGA[C>T]ACCTCGGGGATCCTGTTTGTGAATGACACCAAGGCCCTGCGGCGGCCCAAGTGTGCCGAA-3'
Protein context (NP_066124.1, residues 450-470): STLGVVTSAE[Asp460=]TSGILFVNDT